The following is an entry in ClinVar:

NM_000238.4(KCNH2):c.3478T>G (p.Ter1160Glu)

Gene: KCNH2 (potassium voltage-gated channel subfamily H member 2; minus strand). Cytogenetic location: 7q36.1.
Variant type: single nucleotide variant.
Coding change: c.3478T>G on transcript NM_000238.4 (MANE Select); coding-DNA position 3478, T replaced by G.
Protein change: p.Ter1160Glu.
Molecular consequence: stop lost. On other transcripts: non-coding transcript variant (2).
Genome position (GRCh38, 1-based): chr7:150,945,367, A>C on the plus strand (T>G on the coding strand, the complement: KCNH2 is on the minus strand). VCF-style: chr7-150945367-A-C. GRCh37 (hg19) VCF-style: chr7-150642455-A-C.
Other names: c.3190T>G, p.Ter1064Glu (NM_001406753.1); c.2458T>G, p.Ter820Glu (NM_172057.3).
Identifiers: ClinVar variation 3074036 (VCV003074036.1), dbSNP rs2485994353, ClinGen allele CA369851336.

ClinVar aggregate classification (germline): Uncertain significance (1 of 4 stars; one submission).

Conditions:
Long QT syndrome (LQTS). Identifiers: MedGen C0023976, MeSH D008133, MONDO:0002442. Disease mechanism: loss of function. Inheritance: Various modes of inheritance.

Submission:

All of Us Research Program, National Institutes of Health
Classification: Uncertain significance for Long QT syndrome. Last evaluated: 2023-12-01. Review status: criteria provided, single submitter. Criteria: ACMG Guidelines, 2015. Collection method: clinical testing. Allele origin: germline. Inheritance: Autosomal dominant inheritance. Observed: 1 variant allele, 1 heterozygote.
Comment: This study involves interpretation of variants in research participants for the purpose of population health screening. Participant phenotype was not available at the time of variant classification. Additional details can be found in publication PMID: 35346344, PMCID: PMC8962531